The following is an entry in ClinVar:

NM_020693.4(DSCAML1):c.6050A>G (p.His2017Arg)

Gene: DSCAML1 (DS cell adhesion molecule like 1; minus strand). Cytogenetic location: 11q23.3.
Variant type: single nucleotide variant.
Coding change: c.6050A>G on transcript NM_020693.4 (MANE Select); coding-DNA position 6050, A replaced by G.
Protein change: p.His2017Arg; replaces histidine 2017 with arginine.
Molecular consequence: missense variant.
Genome position (GRCh38, 1-based): chr11:117,428,440, T>C on the plus strand (A>G on the coding strand, the complement: DSCAML1 is on the minus strand). VCF-style: chr11-117428440-T-C. GRCh37 (hg19) VCF-style: chr11-117299156-T-C.
Other names: short protein forms H2017R.
Identifiers: ClinVar variation 2825933 (VCV002825933.3), dbSNP rs1288543114, ClinGen allele CA382750909.

ClinVar aggregate classification (germline): Uncertain significance (1 of 4 stars; one submission).

Submission:

Labcorp Genetics (formerly Invitae), Labcorp
Classification: Uncertain significance. Last evaluated: 2023-01-02. Review status: criteria provided, single submitter. Criteria: Invitae Variant Classification Sherloc (09022015). Collection method: clinical testing. Allele origin: germline.
Comment: In summary, the available evidence is currently insufficient to determine the role of this variant in disease. Therefore, it has been classified as a Variant of Uncertain Significance. Algorithms developed to predict the effect of missense changes on protein structure and function (SIFT, PolyPhen-2, Align-GVGD) all suggest that this variant is likely to be tolerated. This variant has not been reported in the literature in individuals affected with DSCAML1-related conditions. This variant is present in population databases (no rsID available, gnomAD 0.001%). This sequence change replaces histidine, which is basic and polar, with arginine, which is basic and polar, at codon 2077 of the DSCAML1 protein (p.His2077Arg).